The following is an entry in ClinVar:

NM_001003722.2(GLE1):c.1312+2T>C

Gene: GLE1 (GLE1 RNA export mediator; plus strand). Cytogenetic location: 9q34.11.
Variant type: single nucleotide variant.
Coding change: c.1312+2T>C on transcript NM_001003722.2 (MANE Select); the canonical splice donor site of the intron after coding-DNA position 1312, T replaced by C.
Molecular consequence: splice donor variant.
Genome position (GRCh38, 1-based): chr9:128,527,527, T>C. VCF-style: chr9-128527527-T-C. GRCh37 (hg19) VCF-style: chr9-131289806-T-C.
Other names: c.1312+2T>C (NM_001499.2, NM_001411013.1).
Identifiers: ClinVar variation 2128876 (VCV002128876.4), dbSNP rs2540608979, ClinGen allele CA375042478.

ClinVar aggregate classification (germline): Likely pathogenic (1 of 4 stars; one submission).

Submission:

Labcorp Genetics (formerly Invitae), Labcorp
Classification: Likely pathogenic. Last evaluated: 2022-06-19. Review status: criteria provided, single submitter. Criteria: Invitae Variant Classification Sherloc (09022015). Collection method: clinical testing. Allele origin: germline.
Comment: This sequence change affects a donor splice site in intron 9 of the GLE1 gene. It is expected to disrupt RNA splicing. Variants that disrupt the donor or acceptor splice site typically lead to a loss of protein function (PMID: 16199547), and loss-of-function variants in GLE1 are known to be pathogenic (PMID: 18204449, 24243016, 27684565). This variant is not present in population databases (gnomAD no frequency). This variant has not been reported in the literature in individuals affected with GLE1-related conditions. Algorithms developed to predict the effect of sequence changes on RNA splicing suggest that this variant may disrupt the consensus splice site. In summary, the currently available evidence indicates that the variant is pathogenic, but additional data are needed to prove that conclusively. Therefore, this variant has been classified as Likely Pathogenic.

Literature cited by the submitters: PubMed 16199547; PubMed 18204449; PubMed 24243016; PubMed 27684565.